The following is an entry in ClinVar:

ClinVar aggregate classification (germline): Likely benign. Review status: criteria provided, single submitter (1 of 4 stars). 2 submissions from 2 submitters: Likely benign (1). 1 of the submissions does not count toward it. Last evaluated 2022-09-02.

Conditions:
IFT74-related disorder. Also called: IFT74-Related Disorders; IFT74-related condition.

Allele frequency attached by ClinVar (database versions not stated): TOPMed 0.00001; gnomAD 0.00002; gnomAD exomes 0.00002; ESP Exome Variant Server 0.00009.
gnomAD v4.1: 38 of 1,601,956 alleles (0.0024%); highest among the groups gnomAD compares: African/African-American, 0.004%; no homozygotes.

Submissions (2):

Labcorp Genetics (formerly Invitae), Labcorp
Classification: Likely benign. Last evaluated: 2022-09-02. Review status: criteria provided, single submitter. Criteria: Invitae Variant Classification Sherloc (09022015). Collection method: clinical testing. Allele origin: germline.

PreventionGenetics, part of Exact Sciences
Classification: Likely benign for IFT74-related condition. Last evaluated: 2024-02-16. Review status: no assertion criteria provided. Collection method: clinical testing. Allele origin: germline. Not counted in ClinVar's aggregate classification.
Comment: This variant is classified as likely benign based on ACMG/AMP sequence variant interpretation guidelines (Richards et al. 2015 PMID: 25741868, with internal and published modifications).

NM_025103.4(IFT74):c.1032C>T (p.Asp344=)

Gene: IFT74 (intraflagellar transport 74; plus strand). Cytogenetic location: 9p21.2.
Variant type: single nucleotide variant.
Coding change: c.1032C>T on transcript NM_025103.4 (MANE Select); coding-DNA position 1032, C replaced by T.
Protein change: p.Asp344=; no amino-acid change (aspartic acid 344 retained).
Molecular consequence: synonymous variant.
Genome position (GRCh38, 1-based): chr9:27,029,082, C>T. VCF-style: chr9-27029082-C-T. GRCh37 (hg19) VCF-style: chr9-27029080-C-T.
Other names: c.1032C>T, p.Asp344= (NM_001099222.3, NM_001099223.3, NM_001099224.3 and 1 more transcripts); c.1032C>T (NM_025103.2).
Identifiers: ClinVar variation 2416752 (VCV002416752.7), dbSNP rs376870332, ClinGen allele CA191336024.